The following is an entry in ClinVar:

NM_000789.4(ACE):c.3387T>C (p.Phe1129=)

Gene: ACE (angiotensin I converting enzyme; plus strand). Cytogenetic location: 17q23.3.
Variant type: single nucleotide variant.
Coding change: c.3387T>C on transcript NM_000789.4 (MANE Select); coding-DNA position 3387, T replaced by C.
Protein change: p.Phe1129=; no amino-acid change (phenylalanine 1129 retained).
Molecular consequence: synonymous variant. On other transcripts: intron variant (1).
Genome position (GRCh38, 1-based): chr17:63,496,400, T>C. VCF-style: chr17-63496400-T-C. GRCh37 (hg19) VCF-style: chr17-61573761-T-C.
Other names: p.Phe1129=; c.1665T>C, p.Phe555= (NM_152830.3); c.1659-398T>C (NM_001178057.2).
Identifiers: ClinVar variation 256804 (VCV000256804.23), dbSNP rs4362, ClinGen allele CA8700491.

ClinVar aggregate classification (germline): Benign/Likely benign. Review status: criteria provided, multiple submitters, no conflicts (2 of 4 stars). 9 submissions from 9 submitters: Benign (8); Likely benign (1). Last evaluated 2026-02-04.

Conditions:
Hemorrhage, intracerebral, susceptibility to (ICH). Also called: Stroke, hemorrhagic, susceptibility to. Identifiers: MedGen C3281105, MONDO:0100533, OMIM 614519.
Renal tubular dysgenesis of genetic origin. Also called: PRIMITIVE RENAL TUBULE SYNDROME. Identifiers: Orphanet 97369, MedGen C5681536, MONDO:0009970, OMIM 267430.
Microvascular complications of diabetes, susceptibility to, 3. Identifiers: MedGen C2675470, MONDO:0012963, OMIM 612624.
Renal tubular dysgenesis. Also called: Renotubular dysgenesis. Identifiers: Orphanet 3033, MedGen C0266313, MONDO:0017609, HP:0008660.

Allele frequency attached by ClinVar (database versions not stated): gnomAD 0.51699 and 0.51177; TOPMed 0.52084; ExAC 0.52334; ESP Exome Variant Server 0.50531; 1000 Genomes Project 0.58746; 1000 Genomes Project 30x 0.58869.

Submissions (9):

Labcorp Genetics (formerly Invitae), Labcorp
Classification: Benign. Last evaluated: 2026-02-04. Review status: criteria provided, single submitter. Criteria: Invitae Variant Classification Sherloc (09022015). Collection method: clinical testing. Allele origin: germline.

Blueprint Genetics
Classification: Benign. Last evaluated: 2024-11-28. Review status: criteria provided, single submitter. Criteria: ACMG Guidelines, 2015. Collection method: clinical testing. Allele origin: germline.

Mayo Clinic Laboratories, Mayo Clinic
Classification: Benign. Last evaluated: 2022-03-09. Review status: criteria provided, single submitter. Criteria: ACMG Guidelines, 2015. Collection method: clinical testing. Allele origin: germline. Observed: 53 variant alleles.

Fulgent Genetics
Classification: Likely benign for Renal tubular dysgenesis of genetic origin; Microvascular complications of diabetes, susceptibility to, 3; Hemorrhage, intracerebral, susceptibility to. Last evaluated: 2021-11-11. Review status: criteria provided, single submitter. Criteria: ACMG Guidelines, 2015. Collection method: clinical testing. Allele origin: unknown.

Genome-Nilou Lab
Classification: Benign for Renal tubular dysgenesis of genetic origin. Last evaluated: 2021-07-14. Review status: criteria provided, single submitter. Criteria: ACMG Guidelines, 2015. Collection method: clinical testing. Allele origin: germline. Affected: no.

GeneDx
Classification: Benign. Last evaluated: 2018-11-10. Review status: criteria provided, single submitter. Criteria: GeneDx Variant Classification Process June 2021. Collection method: clinical testing. Allele origin: germline. Affected: yes.

Illumina Laboratory Services, Illumina
Classification: Benign for Renal tubular dysgenesis of genetic origin. Last evaluated: 2018-01-13. Review status: criteria provided, single submitter. Criteria: ICSL Variant Classification Criteria 13 December 2019. Collection method: clinical testing. Allele origin: germline.
Comment: This variant was observed in the ICSL laboratory as part of a predisposition screen in an ostensibly healthy population. It had not been previously curated by ICSL or reported in the Human Gene Mutation Database (HGMD: prior to June 1st, 2018), and was therefore a candidate for classification through an automated scoring system. Utilizing variant allele frequency, disease prevalence and penetrance estimates, and inheritance mode, an automated score was calculated to assess if this variant is too frequent to cause the disease. Based on the score and internal cut-off values, a variant classified as benign is not then subjected to further curation. The score for this variant resulted in a classification of benign for this disease.

Breakthrough Genomics
Classification: Benign. Review status: criteria provided, single submitter. Criteria: ACMG Guidelines, 2015. Collection method: not provided. Allele origin: germline. Inheritance: Autosomal recessive inheritance. Affected: yes.

PreventionGenetics, part of Exact Sciences
Classification: Benign. Review status: criteria provided, single submitter. Criteria: ACMG Guidelines, 2015. Collection method: clinical testing. Allele origin: germline.